The following is an entry in ClinVar:

NM_000426.4(LAMA2):c.5937C>G (p.Asn1979Lys)

Gene: LAMA2 (laminin subunit alpha 2; plus strand). Cytogenetic location: 6q22.33.
Variant type: single nucleotide variant.
Coding change: c.5937C>G on transcript NM_000426.4 (MANE Select); coding-DNA position 5937, C replaced by G.
Protein change: p.Asn1979Lys; replaces asparagine 1979 with lysine.
Molecular consequence: missense variant.
Genome position (GRCh38, 1-based): chr6:129,427,823, C>G. VCF-style: chr6-129427823-C-G. GRCh37 (hg19) VCF-style: chr6-129748968-C-G.
Other names: c.5937C>G, p.Asn1979Lys (NM_001079823.2); c.5937C>G (NM_000426.3); short protein forms N1979K.
Identifiers: ClinVar variation 1046116 (VCV001046116.4), dbSNP rs747714599, ClinGen allele CA146909063.
Genomic context (GRCh38, chr6:129,427,823, plus strand): 5'-TCGGGGTTTATTAAAGGAAGATGCCAAAGGCTGTCTTCAGAAAAGCTTCAGGATTCTTAA[C>G]GAAGCCAAGAAGTTAGCAAATGATGTAAAAGGTCAGTGTGGCCATAGTTTTTATTATATT-3'
Protein context (NP_000417.3, residues 1969-1989): GCLQKSFRIL[Asn1979Lys]EAKKLANDVK

ClinVar aggregate classification (germline): Uncertain significance. Review status: criteria provided, multiple submitters, no conflicts (2 of 4 stars). 2 submissions from 2 submitters: Uncertain significance (2). Last evaluated 2021-08-31.

Conditions:
Inborn genetic diseases. Identifiers: MedGen C0950123, MeSH D030342.
LAMA2-related muscular dystrophy (LAMA2-RD). Also called: Laminin alpha 2-related dystrophy. Identifiers: MedGen C5679788, MONDO:0100228.

gnomAD v4.1: 28 of 1,613,268 alleles (0.0017%); highest among the groups gnomAD compares: Non-Finnish European, 0.0022%; no homozygotes.

Submissions (2):

Labcorp Genetics (formerly Invitae), Labcorp
Classification: Uncertain significance for LAMA2-related muscular dystrophy. Last evaluated: 2021-08-31. Review status: criteria provided, single submitter. Criteria: Invitae Variant Classification Sherloc (09022015). Collection method: clinical testing. Allele origin: germline.
Comment: This sequence change replaces asparagine with lysine at codon 1979 of the LAMA2 protein (p.Asn1979Lys). The asparagine residue is moderately conserved and there is a moderate physicochemical difference between asparagine and lysine. This variant is not present in population databases (ExAC no frequency). This variant has not been reported in the literature in individuals affected with LAMA2-related conditions. Algorithms developed to predict the effect of missense changes on protein structure and function are either unavailable or do not agree on the potential impact of this missense change (SIFT: "Tolerated"; PolyPhen-2: "Possibly Damaging"; Align-GVGD: "Class C0"). In summary, the available evidence is currently insufficient to determine the role of this variant in disease. Therefore, it has been classified as a Variant of Uncertain Significance.

Ambry Genetics
Classification: Uncertain significance for Inborn genetic diseases. Last evaluated: 2021-03-15. Review status: criteria provided, single submitter. Criteria: Ambry Variant Classification Scheme 2023. Collection method: clinical testing. Allele origin: germline.
Comment: The c.5937C>G (p.N1979K) alteration is located in exon 41 (coding exon 41) of the LAMA2 gene. This alteration results from a C to G substitution at nucleotide position 5937, causing the asparagine (N) at amino acid position 1979 to be replaced by a lysine (K). The p.N1979K alteration is predicted to be tolerated by in silico analysis. Based on insufficient or conflicting evidence, the clinical significance of this alteration remains unclear.